The following is an entry in ClinVar:

NM_001369268.1(ACAN):c.2509G>C (p.Ala837Pro)

Gene: ACAN (aggrecan; plus strand). Cytogenetic location: 15q26.1.
Variant type: single nucleotide variant.
Coding change: c.2509G>C on transcript NM_001369268.1 (MANE Select); coding-DNA position 2509, G replaced by C.
Protein change: p.Ala837Pro; replaces alanine 837 with proline.
Molecular consequence: missense variant.
Genome position (GRCh38, 1-based): chr15:88,855,094, G>C. VCF-style: chr15-88855094-G-C. GRCh37 (hg19) VCF-style: chr15-89398325-G-C.
Other names: c.2509G>C, p.Ala837Pro (NM_001135.4, NM_001411096.1, NM_001411097.1 and 1 more transcripts); short protein forms A837P.
Identifiers: ClinVar variation 3335964 (VCV003335964.1).

ClinVar aggregate classification (germline): Uncertain significance (1 of 4 stars; one submission).

gnomAD v4.1: 4 of 1,594,096 alleles (0.00025%); highest among the groups gnomAD compares: Non-Finnish European, 0.00034%; no homozygotes.

Submission:

Women's Health and Genetics/Laboratory Corporation of America, LabCorp
Classification: Uncertain significance. Last evaluated: 2024-05-14. Review status: criteria provided, single submitter. Criteria: LabCorp Variant Classification Summary - May 2015. Collection method: clinical testing. Allele origin: germline.
Comment: Variant summary: ACAN c.2509G>C (p.Ala837Pro) results in a non-conservative amino acid change in the encoded protein sequence. Four of five in-silico tools predict a benign effect of the variant on protein function. The variant allele was found at a frequency of 4.4e-06 in 227166 control chromosomes. The available data on variant occurrences in the general population are insufficient to allow any conclusion about variant significance. To our knowledge, no occurrence of c.2509G>C in individuals affected with ACAN-Related Disorders and no experimental evidence demonstrating its impact on protein function have been reported. No submitters have cited clinical-significance assessments for this variant to ClinVar. Based on the evidence outlined above, the variant was classified as uncertain significance.